The following is an entry in ClinVar:

NM_006946.4(SPTBN2):c.6897-131dup

Gene: SPTBN2 (spectrin beta, non-erythrocytic 2; minus strand). Cytogenetic location: 11q13.2.
Variant type: Duplication.
Coding change: c.6897-131dup on transcript NM_006946.4 (MANE Select); 131 bases into the intron before coding-DNA position 6897, one base duplicated (T; older notation c.6897-131dupT).
Molecular consequence: intron variant.
Genome position (GRCh38, 1-based): chr11:66,686,571, A duplicated on the plus strand (T on the coding strand, the reverse complement: SPTBN2 is on the minus strand). VCF-style (leftmost placement, unchanged base first): chr11-66686570-C-CA. GRCh37 (hg19) VCF-style: chr11-66454041-C-CA.
Other names: c.6897-131dup (NM_001437541.1); c.6918-131dup (NM_001411025.1).
Identifiers: ClinVar variation 4883906 (VCV004883906.2).
Genomic context (GRCh38, chr11:66,686,570, plus strand): 5'-GTAATCATGACCCAACACCAGGCTGGGACATCTGGCTGCAGCCCTCAGAGCCGGACCAGA[C>CA]ACGCTCTGCACATTCTTCAGCTTCCCCAGACTGTGCAGAAGCACATCCTTTCTGACTGGC-3'

ClinVar aggregate classification (germline): Uncertain significance (1 of 4 stars; one submission).

Conditions:
Spinocerebellar ataxia type 5 (SCA5). Identifiers: Orphanet 98766, MedGen C0752123, MONDO:0010848, OMIM 600224.

Submission:

Dasa
Classification: Uncertain significance for Spinocerebellar ataxia type 5. Last evaluated: 2026-01-02. Review status: criteria provided, single submitter. Criteria: DASA Assertion Criteria. Collection method: clinical testing. Allele origin: germline.
Comment: NM_006946.4(SPTBN2):c.6897-131dup is an intronic variant. This variant is rare in population databases. The currently available literature and clinical evidence are not sufficient to establish a definitive association between this variant and the reported condition. Therefore, this variant is classified as a variant of uncertain significance.